The following is an entry in ClinVar:

ClinVar aggregate classification (germline): Conflicting classifications of pathogenicity. Review status: criteria provided, conflicting classifications (1 of 4 stars). 5 submissions from 5 submitters: Uncertain significance (4); Likely benign (1). Last evaluated 2026-01-12.

Conditions:
Hereditary cancer-predisposing syndrome. Also called: Neoplastic Syndromes, Hereditary; Hereditary neoplastic syndrome; Tumor predisposition; Hereditary Cancer Syndrome. Identifiers: Orphanet 140162, MedGen C0027672, MeSH D009386, MONDO:0015356.
Intellectual disability, autosomal dominant 16 (CSS4). Also called: COFFIN-SIRIS SYNDROME 4. Identifiers: Orphanet 1465, MedGen C3553249, MONDO:0013821, OMIM 614609.
Rhabdoid tumor predisposition syndrome 2 (RTPS2). Identifiers: Orphanet 231108, Orphanet 69077, MedGen C2750074, MONDO:0013224, OMIM 613325.

Allele frequency attached by ClinVar (database versions not stated): gnomAD 0.00001 and 0.00002; gnomAD exomes 0.00001 and 0.00004; TOPMed 0.00001; ExAC 0.00005; 1000 Genomes Project 30x 0.00016; 1000 Genomes Project 0.00020.
gnomAD v4.1: 26 of 1,550,754 alleles (0.0017%); highest among the groups gnomAD compares: East Asian, 0.064%; no homozygotes.

Submissions (5):

Labcorp Genetics (formerly Invitae), Labcorp
Classification: Uncertain significance for Rhabdoid tumor predisposition syndrome 2. Last evaluated: 2026-01-12. Review status: criteria provided, single submitter. Criteria: Invitae Variant Classification Sherloc (09022015). Collection method: clinical testing. Allele origin: germline.
Comment: This sequence change falls in intron 35 of the SMARCA4 gene. It does not directly change the encoded amino acid sequence of the SMARCA4 protein. It affects a nucleotide within the consensus splice site. This variant is present in population databases (rs534705500, gnomAD 0.02%). This variant has not been reported in the literature in individuals affected with SMARCA4-related conditions. ClinVar contains an entry for this variant (Variation ID: 238499). Variants that disrupt the consensus splice site are a relatively common cause of aberrant splicing (PMID: 17576681, 9536098). Studies have shown that this variant is associated with inconclusive levels of altered splicing (internal data). In summary, the available evidence is currently insufficient to determine the role of this variant in disease. Therefore, it has been classified as a Variant of Uncertain Significance.

Ambry Genetics
Classification: Likely benign for Hereditary cancer-predisposing syndrome. Last evaluated: 2023-07-10. Review status: criteria provided, single submitter. Criteria: Ambry Variant Classification Scheme 2023. Collection method: clinical testing. Allele origin: germline.

Baylor Genetics
Classification: Uncertain significance for Rhabdoid tumor predisposition syndrome 2. Last evaluated: 2023-05-24. Review status: criteria provided, single submitter. Criteria: ACMG Guidelines, 2015. Collection method: clinical testing. Allele origin: unknown.

GeneDx
Classification: Uncertain significance. Last evaluated: 2022-04-27. Review status: criteria provided, single submitter. Criteria: GeneDx Variant Classification Process June 2021. Collection method: clinical testing. Allele origin: germline. Affected: yes.
Comment: Has not been previously published as pathogenic or benign to our knowledge; In silico analysis suggests this variant may impact gene splicing. In the absence of RNA/functional studies, the actual effect of this sequence change is unknown.; Also known as c.4911+5G>A

Genome-Nilou Lab
Classification: Uncertain significance for Intellectual disability, autosomal dominant 16. Last evaluated: 2021-07-15. Review status: criteria provided, single submitter. Criteria: ACMG Guidelines, 2015. Collection method: clinical testing. Allele origin: germline. Affected: no.

Literature cited by the submitters: PubMed 17576681 (cited by Labcorp Genetics (formerly Invitae), Labcorp); PubMed 9536098 (cited by Labcorp Genetics (formerly Invitae), Labcorp).

NM_003072.5(SMARCA4):c.4911+5G>A

Gene: SMARCA4 (SWI/SNF related BAF chromatin remodeling complex subunit ATPase 4; plus strand). Cytogenetic location: 19p13.2.
Variant type: single nucleotide variant.
Coding change: c.4911+5G>A on transcript NM_003072.5 (MANE Select); 5 bases into the intron after coding-DNA position 4911, G replaced by A.
Molecular consequence: intron variant.
Genome position (GRCh38, 1-based): chr19:11,060,192, G>A. VCF-style: chr19-11060192-G-A. GRCh37 (hg19) VCF-style: chr19-11170868-G-A.
Other names: c.4911+5G>A (NM_001128844.3); c.5007+5G>A (NM_001128849.3, NM_001387283.1); c.4812+5G>A (NM_001128847.4, NM_001374457.1); c.4821+5G>A (NM_001128845.2); c.4818+5G>A (NM_001128846.2); c.4809+5G>A (NM_001128848.2).
Identifiers: ClinVar variation 238499 (VCV000238499.21), dbSNP rs534705500, ClinGen allele CA9204898.